The following is an entry in ClinVar:

NM_005188.4(CBL):c.1651C>T (p.Pro551Ser)

Gene: CBL (Cbl proto-oncogene; plus strand). Cytogenetic location: 11q23.3.
Variant type: single nucleotide variant.
Coding change: c.1651C>T on transcript NM_005188.4 (MANE Select); coding-DNA position 1651, C replaced by T.
Protein change: p.Pro551Ser; replaces proline 551 with serine.
Molecular consequence: missense variant.
Genome position (GRCh38, 1-based): chr11:119,285,276, C>T. VCF-style: chr11-119285276-C-T. GRCh37 (hg19) VCF-style: chr11-119155986-C-T.
Other names: short protein forms P551S.
Identifiers: ClinVar variation 284764 (VCV000284764.12), dbSNP rs200305176, ClinGen allele CA10604900.

ClinVar aggregate classification (germline): Uncertain significance. Review status: criteria provided, multiple submitters, no conflicts (2 of 4 stars). 3 submissions from 3 submitters: Uncertain significance (3). Last evaluated 2025-12-29.

Conditions:
RASopathy. Also called: Noonan spectrum disorder; rasopathies. Identifiers: Orphanet 536391, MedGen C5555857, MONDO:0021060.

Allele frequency attached by ClinVar (database versions not stated): gnomAD exomes 0.00001 and 0.00004; TOPMed 0.00001; gnomAD 0.00002.
gnomAD v4.1: 62 of 1,614,048 alleles (0.0038%); highest among the groups gnomAD compares: Non-Finnish European, 0.0052%; no homozygotes.

Submissions (3):

Labcorp Genetics (formerly Invitae), Labcorp
Classification: Uncertain significance for RASopathy. Last evaluated: 2025-12-29. Review status: criteria provided, single submitter. Criteria: Invitae Variant Classification Sherloc (09022015). Collection method: clinical testing. Allele origin: germline.
Comment: This sequence change replaces proline, which is neutral and non-polar, with serine, which is neutral and polar, at codon 551 of the CBL protein (p.Pro551Ser). The frequency data for this variant in the population databases is considered unreliable, as metrics indicate poor data quality at this position in the gnomAD database. This variant has not been reported in the literature in individuals affected with CBL-related conditions. ClinVar contains an entry for this variant (Variation ID: 284764). Invitae Evidence Modeling of protein sequence and biophysical properties (such as structural, functional, and spatial information, amino acid conservation, physicochemical variation, residue mobility, and thermodynamic stability) indicates that this missense variant is not expected to disrupt CBL protein function with a negative predictive value of 95%. In summary, the available evidence is currently insufficient to determine the role of this variant in disease. Therefore, it has been classified as a Variant of Uncertain Significance.

GeneDx
Classification: Uncertain significance. Last evaluated: 2017-07-12. Review status: criteria provided, single submitter. Criteria: GeneDx Variant Classification (06012015). Collection method: clinical testing. Allele origin: germline. Affected: yes.
Comment: The P551S variant has not been published as a pathogenic variant, nor has it been reported as a benign variant to our knowledge. The P551S variant is not observed in large population cohorts (Lek et al., 2016; 1000 Genomes Consortium et al., 2015; Exome Variant Server). The P551S variant is a non-conservative amino acid substitution, which is likely to impact secondary protein structure as these residues differ in polarity, charge, size and/or other properties. This substitution occurs at a position that is conserved across species. In silico analysis predicts this variant is probably damaging to the protein structure/function. In summary, based on the currently available information, it is unclear whether this variant is a pathogenic variant or a rare benign variant.

Eurofins Ntd Llc (ga)
Classification: Uncertain significance. Last evaluated: 2015-11-11. Review status: criteria provided, single submitter. Criteria: EGL Classification Definitions 2015. Collection method: clinical testing. Allele origin: germline. Observed: 1 variant allele, 1 heterozygote.